The following is an entry in ClinVar:

ClinVar aggregate classification (germline): Uncertain significance. Review status: criteria provided, multiple submitters, no conflicts (2 of 4 stars). 3 submissions from 3 submitters: Uncertain significance (3). Last evaluated 2024-03-06.

Conditions:
Coffin-Siris syndrome 12. Identifiers: MedGen C5444111, MONDO:0025699, OMIM 619325.

Allele frequency attached by ClinVar (database versions not stated): gnomAD 0.00001; gnomAD exomes 0.00004.

Submissions (3):

Women's Health and Genetics/Laboratory Corporation of America, LabCorp
Classification: Uncertain significance. Last evaluated: 2024-03-06. Review status: criteria provided, single submitter. Criteria: LabCorp Variant Classification Summary - May 2015. Collection method: clinical testing. Allele origin: germline.
Comment: Variant summary: BICRA c.2404C>T (p.Arg802Cys) results in a non-conservative amino acid change in the encoded protein sequence. Three of five in-silico tools predict a benign effect of the variant on protein function. The variant allele was found at a frequency of 4.2e-05 in 71044 control chromosomes. The available data on variant occurrences in the general population are insufficient to allow any conclusion about variant significance. To our knowledge, no occurrence of c.2404C>T in individuals affected with Coffin-Siris Syndrome 12 and no experimental evidence demonstrating its impact on protein function have been reported. ClinVar contains an entry for this variant (Variation ID: 1701688). Based on the evidence outlined above, the variant was classified as uncertain significance.

Ambry Genetics
Classification: Uncertain significance. Last evaluated: 2023-06-30. Review status: criteria provided, single submitter. Criteria: Ambry Variant Classification Scheme 2023. Collection method: clinical testing. Allele origin: germline.

New York Genome Center
Classification: Uncertain significance for Coffin-Siris syndrome 12. Last evaluated: 2021-10-02. Review status: criteria provided, single submitter. Criteria: NYGC Assertion Criteria 2020. Collection method: clinical testing. Allele origin: inherited. Observed: 1 heterozygote. Study: CSER-NYCKidSeq.

NM_001394372.1(BICRA):c.2404C>T (p.Arg802Cys)

Gene: BICRA (BRD4 interacting chromatin remodeling complex associated protein; plus strand). Cytogenetic location: 19q13.33.
Variant type: single nucleotide variant.
Coding change: c.2404C>T on transcript NM_001394372.1 (MANE Select); coding-DNA position 2404, C replaced by T.
Protein change: p.Arg802Cys; replaces arginine 802 with cysteine.
Molecular consequence: missense variant.
Genome position (GRCh38, 1-based): chr19:47,694,235, C>T. VCF-style: chr19-47694235-C-T. GRCh37 (hg19) VCF-style: chr19-48197492-C-T.
Other names: c.2404C>T, p.Arg802Cys (NM_015711.3); short protein forms R802C.
Identifiers: ClinVar variation 1701688 (VCV001701688.4), dbSNP rs1327727725, ClinGen allele CA406620374.
Genomic context (GRCh38, chr19:47,694,235, plus strand): 5'-CAGGCCCCTCTGGGGGACAGCCCCCACCTGCCCTCCCCACACCCCACCCGGCCCCCTTCC[C>T]GCCCACCCTCCCGGCCACAGAGTGTGTCCCGCCCTCCCTCAGAGCCACCCTTGCACCCTT-3'
Protein context (NP_001381301.1, residues 792-812): PSPHPTRPPS[Arg802Cys]PPSRPQSVSR